The following is an entry in ClinVar:

ClinVar aggregate classification (germline): Pathogenic (1 of 4 stars; one submission).

Conditions:
Polycystic kidney disease, adult type (PKD1). Also called: Polycystic Kidney Disease 1, Autosomal Dominant; POLYCYSTIC KIDNEY DISEASE, ADULT, TYPE I; Polycystic kidney disease 1; Polycystic kidney disease 1, severe; POLYCYSTIC KIDNEY DISEASE 1 WITH OR WITHOUT POLYCYSTIC LIVER DISEASE; Polycystic Kidney, Autosomal Dominant. Identifiers: MedGen C3149841, MONDO:0008263, OMIM 173900.

Submission:

MVZ Medizinische Genetik Mainz
Classification: Pathogenic for Polycystic kidney disease, adult type. Last evaluated: 2025-11-27. Review status: criteria provided, single submitter. Criteria: UK Practice Guidelines For Variant Classification V4 01 2020. Collection method: clinical testing. Allele origin: germline. Inheritance: Autosomal dominant inheritance. Affected: yes. Observed: 1 variant allele.
Comment: ACMG Criteria: PVS1,PM2_SUP,PP4

NM_001009944.3(PKD1):c.11676_11685del (p.Leu3893fs)

Genes: PKD1 (polycystin 1, transient receptor potential channel interacting; minus strand), PKD1-AS1 (PKD1 antisense RNA 1; plus strand). Cytogenetic location: 16p13.3.
Variant type: Deletion.
Coding change: c.11676_11685del on transcript NM_001009944.3 (MANE Select); coding-DNA positions 11676 to 11685, 10 bases deleted (CCTCAGCGCG; older notation c.11676_11685delCCTCAGCGCG).
Protein change: p.Leu3893fs; shifts the reading frame from leucine 3893.
Molecular consequence: frameshift variant. On other transcripts: non-coding transcript variant (1).
Genome position (GRCh38, 1-based): chr16:2,091,450-2,091,459, CGCGCTGAGG deleted on the plus strand (CCTCAGCGCG on the coding strand, the reverse complement: PKD1 is on the minus strand); deleting any 10 consecutive bases within chr16:2,091,450-2,091,461 gives the same sequence; the c. name uses the placement nearest the transcript's 3' end. VCF-style (leftmost placement, unchanged base first): chr16-2091449-CCGCGCTGAGG-C. GRCh37 (hg19) VCF-style: chr16-2141450-CCGCGCTGAGG-C.
Other names: c.11673_11682del, p.Leu3892fs (NM_000296.4); short protein forms L3892fs, L3893fs.
Identifiers: ClinVar variation 5038235 (VCV005038235.1).